The following is an entry in ClinVar:

NM_000222.3(KIT):c.2858A>G (p.His953Arg)

Gene: KIT (KIT proto-oncogene, receptor tyrosine kinase; plus strand). Cytogenetic location: 4q12.
Variant type: single nucleotide variant.
Coding change: c.2858A>G on transcript NM_000222.3 (MANE Select); coding-DNA position 2858, A replaced by G.
Protein change: p.His953Arg; replaces histidine 953 with arginine.
Molecular consequence: missense variant.
Genome position (GRCh38, 1-based): chr4:54,738,484, A>G. VCF-style: chr4-54738484-A-G. GRCh37 (hg19) VCF-style: chr4-55604650-A-G.
Other names: c.2858A>G (NM_000222.2); c.2846A>G, p.His949Arg (NM_001093772.2, NM_001385292.1); c.2861A>G, p.His954Arg (NM_001385284.1); c.2855A>G, p.His952Arg (NM_001385285.1); c.2843A>G, p.His948Arg (NM_001385286.1); c.2849A>G, p.His950Arg (NM_001385288.1); c.2858A>G, p.His953Arg (NM_001385290.1); short protein forms H948R, H949R, H950R, H952R, H953R, H954R.
Identifiers: ClinVar variation 1052449 (VCV001052449.10), dbSNP rs1723056214, ClinGen allele CA356916179.

ClinVar aggregate classification (germline): Uncertain significance. Review status: criteria provided, multiple submitters, no conflicts (2 of 4 stars). 4 submissions from 4 submitters: Uncertain significance (4). Last evaluated 2025-03-31.

Conditions:
Gastrointestinal stromal tumor. Also called: Gastrointestinal stromal tumor, somatic; Gastrointestinal stroma tumor. Identifiers: Orphanet 44890, MedGen C0238198, MeSH D046152, MONDO:0011719, OMIM 606764, HP:0100723.
Hereditary cancer-predisposing syndrome. Also called: Tumor predisposition; Neoplastic Syndromes, Hereditary; Hereditary neoplastic syndrome; Hereditary Cancer Syndrome. Identifiers: Orphanet 140162, MedGen C0027672, MeSH D009386, MONDO:0015356.

Allele frequency attached by ClinVar (database versions not stated): gnomAD exomes below 0.00001; TOPMed below 0.00001; gnomAD 0.00001.
gnomAD v4.1: 1 of 1,614,100 alleles (0.000062%); highest among the groups gnomAD compares: Non-Finnish European, 0.000085%; no homozygotes.

Submissions (4):

Labcorp Genetics (formerly Invitae), Labcorp
Classification: Uncertain significance for Gastrointestinal stromal tumor. Last evaluated: 2025-03-31. Review status: criteria provided, single submitter. Criteria: Invitae Variant Classification Sherloc (09022015). Collection method: clinical testing. Allele origin: germline.
Comment: This sequence change replaces histidine, which is basic and polar, with arginine, which is basic and polar, at codon 953 of the KIT protein (p.His953Arg). This variant is not present in population databases (gnomAD no frequency). This variant has not been reported in the literature in individuals affected with KIT-related conditions. ClinVar contains an entry for this variant (Variation ID: 1052449). An algorithm developed to predict the effect of missense changes on protein structure and function outputs the following: PolyPhen-2: "Benign". The arginine amino acid residue is found in multiple mammalian species, which suggests that this missense change does not adversely affect protein function. In summary, the available evidence is currently insufficient to determine the role of this variant in disease. Therefore, it has been classified as a Variant of Uncertain Significance.

Ambry Genetics
Classification: Uncertain significance for Hereditary cancer-predisposing syndrome. Last evaluated: 2024-11-15. Review status: criteria provided, single submitter. Criteria: Ambry Variant Classification Scheme 2023. Collection method: clinical testing. Allele origin: germline.
Comment: The p.H953R variant (also known as c.2858A>G), located in coding exon 21 of the KIT gene, results from an A to G substitution at nucleotide position 2858. The histidine at codon 953 is replaced by arginine, an amino acid with highly similar properties. This amino acid position is conserved. In addition, this alteration is predicted to be tolerated by in silico analysis. Based on the available evidence, the clinical significance of this variant remains unclear.

Revvity Omics, Revvity
Classification: Uncertain significance. Last evaluated: 2024-05-23. Review status: criteria provided, single submitter. Criteria: ACMG Guidelines, 2015. Collection method: clinical testing. Allele origin: germline.

GeneDx
Classification: Uncertain significance. Last evaluated: 2023-12-14. Review status: criteria provided, single submitter. Criteria: GeneDx Variant Classification Process June 2021. Collection method: clinical testing. Allele origin: germline. Affected: yes.
Comment: Not observed at significant frequency in large population cohorts (gnomAD); In silico analysis supports that this missense variant does not alter protein structure/function; Has not been previously published as pathogenic or benign to our knowledge